The following is an entry in ClinVar:

ClinVar aggregate classification (germline): Uncertain significance (1 of 4 stars; one submission).

gnomAD v4.1: 9 of 1,602,714 alleles (0.00056%); highest among the groups gnomAD compares: East Asian, 0.0022%; no homozygotes.

Submission:

Labcorp Genetics (formerly Invitae), Labcorp
Classification: Uncertain significance. Last evaluated: 2025-08-30. Review status: criteria provided, single submitter. Criteria: Invitae Variant Classification Sherloc (09022015). Collection method: clinical testing. Allele origin: germline.
Comment: This sequence change replaces glycine, which is neutral and non-polar, with aspartic acid, which is acidic and polar, at codon 1295 of the TOP2B protein (p.Gly1295Asp). This variant is present in population databases (no rsID available, gnomAD 0.001%). This variant has not been reported in the literature in individuals affected with TOP2B-related conditions. An algorithm developed to predict the effect of missense changes on protein structure and function (PolyPhen-2) suggests that this variant is likely to be tolerated. In summary, the available evidence is currently insufficient to determine the role of this variant in disease. Therefore, it has been classified as a Variant of Uncertain Significance.

NM_001330700.2(TOP2B):c.3899G>A (p.Gly1300Asp)

Gene: TOP2B (DNA topoisomerase II beta; minus strand). Cytogenetic location: 3p24.2.
Variant type: single nucleotide variant.
Coding change: c.3899G>A on transcript NM_001330700.2 (MANE Select); coding-DNA position 3899, G replaced by A.
Protein change: p.Gly1300Asp; replaces glycine 1300 with aspartic acid.
Molecular consequence: missense variant.
Genome position (GRCh38, 1-based): chr3:25,609,600, C>T on the plus strand (G>A on the coding strand, the complement: TOP2B is on the minus strand). VCF-style: chr3-25609600-C-T. GRCh37 (hg19) VCF-style: chr3-25651091-C-T.
Other names: c.3884G>A, p.Gly1295Asp (NM_001068.3); short protein forms G1300D, G1295D.
Identifiers: ClinVar variation 4701738 (VCV004701738.1).